The following is an entry in ClinVar:

ClinVar aggregate classification (germline): Pathogenic/Likely pathogenic. Review status: criteria provided, multiple submitters, no conflicts (2 of 4 stars). 6 submissions from 6 submitters: Pathogenic (3); Likely pathogenic (3). Last evaluated 2025-11-04.

Conditions:
Marfan Syndrome/Loeys-Dietz Syndrome/Familial Thoracic Aortic Aneurysms and Dissections. Identifiers: MedGen CN229799.
Marfan syndrome (MFS). Also called: Marfan syndrome, classic; FBN1-Related Marfan Syndrome; Marfan syndrome type 1; Marfan's syndrome; MARFAN SYNDROME, TYPE I. Identifiers: Orphanet 284963, Orphanet 558, MedGen C0024796, MONDO:0007947, OMIM 154700.
Familial thoracic aortic aneurysm and aortic dissection (TAAD). Also called: Thoracic aortic aneurysms and dissections. Identifiers: Orphanet 91387, MedGen C4707243, MONDO:0019625.

Submissions (6):

Women's Health and Genetics/Laboratory Corporation of America, LabCorp
Classification: Likely pathogenic for Marfan Syndrome/Loeys-Dietz Syndrome/Familial Thoracic Aortic Aneurysms and Dissections. Last evaluated: 2025-11-04. Review status: criteria provided, single submitter. Criteria: LabCorp Variant Classification Summary - May 2015. Collection method: clinical testing. Allele origin: germline.
Comment: Variant summary: FBN1 c.1421G>A (p.Cys474Tyr) results in a non-conservative amino acid change in the encoded protein sequence. Cysteine residues are believed to be involved in intramolecular disulfide bridges and have been shown to be important for FBN1 protein structure (PMID: 16905551, 19349279). Algorithms developed to predict the effect of missense changes on protein structure and function all suggest that this variant is likely to be disruptive. The variant was absent in 251218 control chromosomes. c.1421G>A has been observed in individual(s) affected with Marfan Syndrome (Seo_2018, Groth_2017). Additionally, other missense changes have been observed at the same codon (p.Cys474Phe, p.Cys474Trp, p.Cys474Gly, p.Cys474Arg). These data indicate that the variant is likely to be associated with disease. To our knowledge, no experimental evidence demonstrating an impact on protein function has been reported. The following publications have been ascertained in the context of this evaluation (PMID: 27906200, 29768367). ClinVar contains an entry for this variant (Variation ID: 199967). Based on the evidence outlined above, the variant was classified as likely pathogenic.

Center for Genomics, Ann and Robert H. Lurie Children's Hospital of Chicago
Classification: Pathogenic for Marfan syndrome. Last evaluated: 2025-02-04. Review status: criteria provided, single submitter. Criteria: Drackley et al. (Genome Med. 2024). Collection method: clinical testing. Allele origin: inherited. Inheritance: Autosomal dominant inheritance.
Comment: This variant has been reported in the literature and in disease-specific databases in at least 5 individuals with clinical diagnoses or suspicion of Marfan syndrome (Seo 2018 PMID: 29768367; Lurie Children's internal data), as well as in an individual with aortic root dilatation at an external laboratory (ClinVar Variation ID: 199967; personal communication). It was also found to segregate with features of Marfan syndrome in at least 8 affected individuals between 2 families at a single institution (personal communication). It is absent from gnomAD. This variant alters a cysteine residue in an EGF-like domain; cysteine residues in EGF-like and cbEGF-like domains of the fibrillin-1 protein are established as important for protein structure (Robinson 2006 PMID: 16571647; Faivre 2007 PMID: 17701892). Evolutionary conservation and computational prediction tools strongly support that this variant impacts the encoded protein. Other variants at this same codon (p.Cys474Phe, p.Cys474Trp, p.Cys474Arg) have also been reported in association with disease (Variation IDs: 549015, 517124, 449898), further supporting the functional importance of this amino acid position. In summary, this variant is classified as pathogenic.

Labcorp Genetics (formerly Invitae), Labcorp
Classification: Pathogenic for Marfan syndrome; Familial thoracic aortic aneurysm and aortic dissection. Last evaluated: 2024-02-08. Review status: criteria provided, single submitter. Criteria: Invitae Variant Classification Sherloc (09022015). Collection method: clinical testing. Allele origin: germline.
Comment: This sequence change replaces cysteine, which is neutral and slightly polar, with tyrosine, which is neutral and polar, at codon 474 of the FBN1 protein (p.Cys474Tyr). This variant is not present in population databases (gnomAD no frequency). This missense change has been observed in individuals with clinical features of Marfan syndrome (PMID: 27906200, 29768367). ClinVar contains an entry for this variant (Variation ID: 199967). Advanced modeling of protein sequence and biophysical properties (such as structural, functional, and spatial information, amino acid conservation, physicochemical variation, residue mobility, and thermodynamic stability) performed at Invitae indicates that this missense variant is expected to disrupt FBN1 protein function with a positive predictive value of 95%. This variant affects a cysteine residue in the EGF-like, TGFBP or hybrid motif domains of FBN1. Cysteine residues are believed to be involved in intramolecular disulfide bridges and have been shown to be important for FBN1 protein structure (PMID: 16905551, 19349279). In addition, missense substitutions affecting cysteine residues within these domains are significantly overrepresented among patients with Marfan syndrome (PMID: 16571647, 17701892). For these reasons, this variant has been classified as Pathogenic.

Department of Human Genetics, Hannover Medical School
Classification: Likely pathogenic for Marfan syndrome. Last evaluated: 2023-02-08. Review status: criteria provided, single submitter. Criteria: ACMG Guidelines, 2015. Collection method: clinical testing. Allele origin: germline. Inheritance: Autosomal dominant inheritance. Affected: yes.

Ambry Genetics
Classification: Likely pathogenic for Familial thoracic aortic aneurysm and aortic dissection. Last evaluated: 2016-09-01. Review status: criteria provided, single submitter. Criteria: Ambry Variant Classification Scheme 2023. Collection method: clinical testing. Allele origin: germline.
Comment: The p.C474Y variant (also known as c.1421G>A), located in coding exon 11 of the FBN1 gene, results from a G to A substitution at nucleotide position 1421. The cysteine at codon 474 is replaced by tyrosine, an amino acid with highly dissimilar properties. This alteration has been reported in association with Marfan syndrome (Ogawa N et al. Am J Cardiol, 2011 Dec;108:1801-7; Seo GH et al. Medicine (Baltimore), 2018 May;97:e10767). This variant is considered to be rare based on population cohorts in the Genome Aggregation Database (gnomAD). Based on internal structural assessment, this alteration eliminates a structurally critical disulfide bond in the structurally sensitive EGF/cbEGF-like domain #04.This amino acid position is highly conserved in available vertebrate species. In addition, this alteration is predicted to be deleterious by in silico analysis. The majority of FBN1 mutations identified to date have involved the substitution or generation of cysteine residues within cbEGF domains (Vollbrandt T et al. J Biol Chem. 2004;279(31):32924-32931). Based on the majority of available evidence to date, this variant is likely to be pathogenic. (Ogawa N et al. Am J Cardiol, 2011 Dec;108:1801-7). (Groth KA et al. Genet Med, 2017 07;19:772-777). (Seo GH et al. Medicine (Baltimore), 2018 May;97:e10767).

GeneDx
Classification: Pathogenic. Last evaluated: 2014-02-09. Review status: criteria provided, single submitter. Criteria: GeneDx Variant Classification (06012015). Collection method: clinical testing. Allele origin: germline. Affected: yes.
Comment: p.Cys474Tyr (TGT>TAT): c.1421 G>A. The C474Y mutation in the FBN1 gene has not been published as a mutation, nor as a benign polymorphism to our knowledge. C474Y results in a non-conservative amino acid substitution resulting in a loss of a Cysteine residue, which may impact disulfide bonding, at a position that is conserved across species. Other missense mutations in this residue (C474F, C474W) and in nearby residues (C476R, C476G) have been reported in association with Marfan syndrome, further supporting the functional importance of this residue and this region of the protein. Additionally, the C474Y mutation was not observed in approximately 6,500 individuals of European and African American ancestry in the NHLBI Exome Sequencing Project, indicating it is not a common benign variant in these populations.In summary, C474Y in the FBN1 gene is interpreted as a disease-causing mutation.The variant is found in TAAD panel(s).

Literature cited by the submitters: PubMed 27906200 (cited by 3 submitters); PubMed 29768367 (cited by 4 submitters); PubMed 16571647 (cited by Center for Genomics, Ann and Robert H. Lurie Children's Hospital of Chicago and Labcorp Genetics (formerly Invitae), Labcorp); PubMed 17701892 (cited by Center for Genomics, Ann and Robert H. Lurie Children's Hospital of Chicago and Labcorp Genetics (formerly Invitae), Labcorp); PubMed 16905551 (cited by Labcorp Genetics (formerly Invitae), Labcorp); PubMed 19349279 (cited by Labcorp Genetics (formerly Invitae), Labcorp); PubMed 21907952 (cited by Ambry Genetics).

NM_000138.5(FBN1):c.1421G>A (p.Cys474Tyr)

Gene: FBN1 (fibrillin 1; minus strand). Cytogenetic location: 15q21.1.
Variant type: single nucleotide variant.
Coding change: c.1421G>A on transcript NM_000138.5 (MANE Select); coding-DNA position 1421, G replaced by A.
Protein change: p.Cys474Tyr; replaces cysteine 474 with tyrosine.
Molecular consequence: missense variant.
Genome position (GRCh38, 1-based): chr15:48,515,434, C>T on the plus strand (G>A on the coding strand, the complement: FBN1 is on the minus strand). VCF-style: chr15-48515434-C-T. GRCh37 (hg19) VCF-style: chr15-48807631-C-T.
Other names: p.C474Y:TGT>TAT; short protein forms C474Y.
Identifiers: ClinVar variation 199967 (VCV000199967.8), dbSNP rs794728166, ClinGen allele CA012140.
Genomic context (GRCh38, chr15:48,515,434, plus strand): 5'-ATGGATCACGTACCAATACACTCCCCACGGAGGTCCAGCTGGAACCCTTTGTTGCACTCA[C>T]ACCGGTAACTCCCAGGAGTTGGAATGCAGCGTCCATTTTGACAGAGATAGCGGACCAACT-3'
Protein context (NP_000129.3, residues 464-484): RCIPTPGSYR[Cys474Tyr]ECNKGFQLDL